The following is an entry in ClinVar:

NM_181552.4(CUX1):c.3238C>A (p.Pro1080Thr)

Gene: CUX1 (cut like homeobox 1; plus strand). Cytogenetic location: 7q22.1.
Variant type: single nucleotide variant.
Coding change: c.3238C>A on transcript NM_181552.4 (MANE Select); coding-DNA position 3238, C replaced by A.
Protein change: p.Pro1080Thr; replaces proline 1080 with threonine.
Molecular consequence: missense variant. On other transcripts: intron variant (5).
Genome position (GRCh38, 1-based): chr7:102,227,474, C>A. VCF-style: chr7-102227474-C-A. GRCh37 (hg19) VCF-style: chr7-101870754-C-A.
Other names: c.3271C>A, p.Pro1091Thr (NM_001202543.2); c.1255+31871C>A (NM_001913.5); c.1249+31871C>A (NM_181500.4); c.1117+31871C>A (NM_001202545.3); c.1207+31871C>A (NM_001202544.3); c.1138+31871C>A (NM_001202546.3); short protein forms P1091T, P1080T.
Identifiers: ClinVar variation 2309715 (VCV002309715.2), dbSNP rs1554528987, ClinGen allele CA368694063.
Genomic context (GRCh38, chr7:102,227,474, plus strand): 5'-CCGATGAGTTCCAGTGAGTCGGTGAAGAGCCTGACCGAGCTGGTCCAGCAGCCCTGTCCC[C>A]CCATCGAGGCGAGCAAGGACAGCAAGCCACCAGAGCCCAGTGACCCGCCAGCATCCGACT-3'
Protein context (NP_853530.2, residues 1070-1090): LTELVQQPCP[Pro1080Thr]IEASKDSKPP

ClinVar aggregate classification (germline): Uncertain significance (1 of 4 stars; one submission).

Conditions:
Inborn genetic diseases. Identifiers: MedGen C0950123, MeSH D030342.

gnomAD v4.1: 1 of 1,614,100 alleles (0.000062%); highest among the groups gnomAD compares: Admixed American, 0.0017%; no homozygotes.

Submission:

Ambry Genetics
Classification: Uncertain significance for Inborn genetic diseases. Last evaluated: 2022-08-30. Review status: criteria provided, single submitter. Criteria: Ambry Variant Classification Scheme 2023. Collection method: clinical testing. Allele origin: germline.
Comment: The c.3271C>A (p.P1091T) alteration is located in exon 21 (coding exon 21) of the CUX1 gene. This alteration results from a C to A substitution at nucleotide position 3271, causing the proline (P) at amino acid position 1091 to be replaced by a threonine (T). Based on data from gnomAD, the A allele has an overall frequency of <0.001% (1/250770) total alleles studied. The highest observed frequency was 0.003% (1/34588) of Latino alleles. This amino acid position is not well conserved in available vertebrate species. This alteration is predicted to be tolerated by in silico analysis. Based on insufficient or conflicting evidence, the clinical significance of this alteration remains unclear.